The following is an entry in ClinVar:

ClinVar aggregate classification (germline): Uncertain significance (1 of 4 stars; one submission).

Conditions:
Cardiovascular phenotype. Identifiers: MedGen CN230736.

Allele frequency attached by ClinVar (database versions not stated): gnomAD 0.00001.
gnomAD v4.1: 1 of 1,571,808 alleles (0.000064%); highest among the groups gnomAD compares: African/African-American, 0.0014%; no homozygotes.

Submission:

Ambry Genetics
Classification: Uncertain significance for Cardiovascular phenotype. Last evaluated: 2019-12-30. Review status: criteria provided, single submitter. Criteria: Ambry Variant Classification Scheme 2023. Collection method: clinical testing. Allele origin: germline.
Comment: The p.V21559I variant (also known as c.64675G>A), located in coding exon 165 of the TTN gene, results from a G to A substitution at nucleotide position 64675. The valine at codon 21559 is replaced by isoleucine, an amino acid with highly similar properties. This amino acid position is not well conserved in available vertebrate species. In addition, this alteration is predicted to be tolerated by in silico analysis. Since supporting evidence is limited at this time, the clinical significance of this alteration remains unclear.

NM_001267550.2(TTN):c.91870G>A (p.Val30624Ile)

Genes: TTN (titin; minus strand), TTN-AS1 (TTN antisense RNA 1; plus strand). Cytogenetic location: 2q31.2.
Variant type: single nucleotide variant.
Coding change: c.91870G>A on transcript NM_001267550.2 (MANE Select); coding-DNA position 91870, G replaced by A.
Protein change: p.Val30624Ile; replaces valine 30624 with isoleucine.
Molecular consequence: missense variant.
Genome position (GRCh38, 1-based): chr2:178,549,852, C>T on the plus strand (G>A on the coding strand, the complement: TTN is on the minus strand). VCF-style: chr2-178549852-C-T. GRCh37 (hg19) VCF-style: chr2-179414579-C-T.
Other names: c.86947G>A, p.Val28983Ile (NM_001256850.1); c.64675G>A, p.Val21559Ile (NM_003319.4); c.84166G>A, p.Val28056Ile (NM_133378.4); c.65050G>A, p.Val21684Ile (NM_133432.3); c.65251G>A, p.Val21751Ile (NM_133437.4); short protein forms V28056I, V30624I, V21559I, V21684I, V21751I, V28983I.
Identifiers: ClinVar variation 1753679 (VCV001753679.2), dbSNP rs1474057900, ClinGen allele CA349496316.